The following is an entry in ClinVar:

ClinVar aggregate classification (germline): Pathogenic. Review status: criteria provided, multiple submitters, no conflicts (2 of 4 stars). 2 submissions from 2 submitters: Pathogenic (2). Last evaluated 2025-05-02.

Conditions:
Nephrogenic diabetes insipidus. Identifiers: Orphanet 223, MedGen C0162283, MONDO:0016383, HP:0009806.
Diabetes insipidus, nephrogenic, autosomal (NDI2). Also called: Nephrogenic Diabetes Insipidus, Type II; Diabetes insipidus, nephrogenic, 2, autosomal. Identifiers: Orphanet 223, MedGen C1563706, MONDO:0007451, OMIM 125800.

Submissions (2):

Natera, Inc.
Classification: Pathogenic for Nephrogenic diabetes insipidus. Last evaluated: 2025-05-02. Review status: criteria provided, single submitter. Criteria: Natera Variant Classification Schema (03/2026). Collection method: clinical testing. Allele origin: germline.
Comment: The c.127_128del variant in AQP2 is a frameshift variant predicted to shift the reading frame beginning at codon 43 and leads to a stop codon 63 codons downstream. This variant is expected to result in nonsense mediated decay, truncation, or a dysfunctional protein product. This variant is rare in the general population with a frequency below the threshold expected for the associated phenotype(s). This variant has been observed in one or more individuals affected with the associated recessive disease, as either homozygous or compound heterozygous with a second variant (PMID: 14599123). Given the available evidence, this variant is classified as Pathogenic.

3billion
Classification: Pathogenic for Diabetes insipidus, nephrogenic, autosomal. Last evaluated: 2022-03-22. Review status: criteria provided, single submitter. Criteria: ACMG Guidelines, 2015. Collection method: clinical testing. Allele origin: germline. Affected: yes. Observed: 1 heterozygote.
Comment: Frameshift: predicted to result in a loss or disruption of normal protein function through nonsense-mediated decay (NMD) or protein truncation. Multiple pathogenic variants are reported downstream of the variant. This variant has been reported to be associated with APQ2 related disorder (PMID:14599123). It is observed at an extremely low frequency in the gnomAD v2.1.1 dataset (total allele frequency: 0.0000040). Therefore, this variant is classified as pathogenic according to the recommendation of ACMG/AMP guideline.

Literature cited by the submitters: PubMed 14599123 (cited by Natera, Inc. and 3billion).

NM_000486.6(AQP2):c.127_128del (p.Gln43fs)

Gene: AQP2 (aquaporin 2; plus strand). Cytogenetic location: 12q13.12.
Variant type: Deletion.
Coding change: c.127_128del on transcript NM_000486.6 (MANE Select); coding-DNA positions 127 to 128, 2 bases deleted (CA; older notation c.127_128delCA).
Protein change: p.Gln43fs; shifts the reading frame from glutamine 43.
Molecular consequence: frameshift variant.
Genome position (GRCh38, 1-based): chr12:49,950,957-49,950,958, CA deleted; deleting any 2 consecutive bases within chr12:49,950,956-49,950,958 gives the same sequence; the c. name uses the placement nearest the transcript's 3' end. VCF-style (leftmost placement, unchanged base first): chr12-49950955-TAC-T. GRCh37 (hg19) VCF-style: chr12-50344738-TAC-T.
Other names: c.127_128del (NM_000486.5); short protein forms Q43fs.
Identifiers: ClinVar variation 1526141 (VCV001526141.3), dbSNP rs1337669269, ClinGen allele CA604909796.